The following is an entry in ClinVar:

NM_017763.6(RNF43):c.1332T>A (p.Ser444Arg)

Gene: RNF43 (ring finger protein 43; minus strand). Cytogenetic location: 17q22.
Variant type: single nucleotide variant.
Coding change: c.1332T>A on transcript NM_017763.6 (MANE Select); coding-DNA position 1332, T replaced by A.
Protein change: p.Ser444Arg; replaces serine 444 with arginine.
Molecular consequence: missense variant.
Genome position (GRCh38, 1-based): chr17:58,358,444, A>T on the plus strand (T>A on the coding strand, the complement: RNF43 is on the minus strand). VCF-style: chr17-58358444-A-T. GRCh37 (hg19) VCF-style: chr17-56435805-A-T.
Other names: c.1332T>A, p.Ser444Arg (NM_001305544.3, NM_001438820.1, NM_001438821.1 and 1 more transcripts); c.951T>A, p.Ser317Arg (NM_001305545.2, NM_001437987.1); short protein forms S317R, S444R.
Identifiers: ClinVar variation 4863407 (VCV004863407.1).

ClinVar aggregate classification (germline): Uncertain significance (1 of 4 stars; one submission).

Submission:

Ambry Genetics
Classification: Uncertain significance. Last evaluated: 2026-04-25. Review status: criteria provided, single submitter. Criteria: Ambry Variant Classification Scheme 2023. Collection method: clinical testing. Allele origin: germline.
Comment: The p.S444R variant (also known as c.1332T>A), located in coding exon 8 of the RNF43 gene, results from a T to A substitution at nucleotide position 1332. The serine at codon 444 is replaced by arginine, an amino acid with dissimilar properties. This amino acid position is conserved. In addition, this alteration is predicted to be tolerated by in silico analysis. Based on the available evidence, the clinical significance of this variant remains unclear.